The following is an entry in ClinVar:

ClinVar aggregate classification (germline): Uncertain significance (1 of 4 stars; one submission).

Submission:

Ambry Genetics
Classification: Uncertain significance. Last evaluated: 2024-06-30. Review status: criteria provided, single submitter. Criteria: Ambry Variant Classification Scheme 2023. Collection method: clinical testing. Allele origin: germline.
Comment: The p.A221S variant (also known as c.661G>T), located in coding exon 4 of the MNDA gene, results from a G to T substitution at nucleotide position 661. The alanine at codon 221 is replaced by serine, an amino acid with similar properties. This amino acid position is conserved. In addition, this alteration is predicted to be tolerated by in silico analysis. Since supporting evidence is limited at this time, the clinical significance of this alteration remains unclear.

NM_002432.3(MNDA):c.661G>T (p.Ala221Ser)

Gene: MNDA (myeloid cell nuclear differentiation antigen; plus strand). Cytogenetic location: 1q23.1.
Variant type: single nucleotide variant.
Coding change: c.661G>T on transcript NM_002432.3 (MANE Select); coding-DNA position 661, G replaced by T.
Protein change: p.Ala221Ser; replaces alanine 221 with serine.
Molecular consequence: missense variant.
Genome position (GRCh38, 1-based): chr1:158,845,677, G>T. VCF-style: chr1-158845677-G-T. GRCh37 (hg19) VCF-style: chr1-158815467-G-T.
Other names: short protein forms A221S.
Identifiers: ClinVar variation 1754520 (VCV001754520.3), dbSNP rs1659119400, ClinGen allele CA343040959.
Genomic context (GRCh38, chr1:158,845,677, plus strand): 5'-GATGCAAGAAGAAATGTTCCCCAAAACGACCCAGTGACAGTGGTGGTACTGAAAGCAACA[G>T]CGCCATTTAAATACGAGTCCCCAGAAAATGGGAAAAGCACAATGTTTCATGCTACAGTGG-3'
Protein context (NP_002423.1, residues 211-231): PVTVVVLKAT[Ala221Ser]PFKYESPENG